The following is an entry in ClinVar:

ClinVar aggregate classification (germline): Likely pathogenic (1 of 4 stars; one submission).

Allele frequency attached by ClinVar (database versions not stated): TOPMed 0.00001.
gnomAD v4.1: 1 of 1,614,252 alleles (0.000062%); highest among the groups gnomAD compares: Non-Finnish European, 0.000085%; no homozygotes.

Submission:

Athena Diagnostics
Classification: Likely pathogenic. Last evaluated: 2019-12-19. Review status: criteria provided, single submitter. Criteria: Athena Diagnostics Criteria. Collection method: clinical testing. Allele origin: unknown.
Comment: The variant creates a premature nonsense codon, and is therefore predicted to result in the loss of a functional protein. Not found in the total gnomAD dataset, and the data is high quality.

NM_015046.7(SETX):c.5130T>A (p.Tyr1710Ter)

Gene: SETX (senataxin; minus strand). Cytogenetic location: 9q34.13.
Variant type: single nucleotide variant.
Coding change: c.5130T>A on transcript NM_015046.7 (MANE Select); coding-DNA position 5130, T replaced by A.
Protein change: p.Tyr1710Ter; replaces tyrosine 1710 with a stop codon.
Molecular consequence: nonsense.
Genome position (GRCh38, 1-based): chr9:132,326,468, A>T on the plus strand (T>A on the coding strand, the complement: SETX is on the minus strand). VCF-style: chr9-132326468-A-T. GRCh37 (hg19) VCF-style: chr9-135201855-A-T.
Other names: c.5130T>A, p.Tyr1710Ter (NM_001351527.2, NM_001351528.2); short protein forms Y1710*.
Identifiers: ClinVar variation 994759 (VCV000994759.1), dbSNP rs768582274, ClinGen allele CA375321996.